The following is an entry in ClinVar:

ClinVar aggregate classification (germline): Conflicting classifications of pathogenicity. Review status: criteria provided, conflicting classifications (1 of 4 stars). 9 submissions from 9 submitters: Uncertain significance (1); Likely benign (8). Last evaluated 2026-03-01.

Conditions:
TTN-related disorder. Also called: TTN-related disorders; TTN-related condition; TTN-related disease.
Cardiovascular phenotype. Identifiers: MedGen CN230736.
Autosomal recessive limb-girdle muscular dystrophy type 2J (LGMDR10). Also called: MUSCULAR DYSTROPHY, LIMB-GIRDLE, AUTOSOMAL RECESSIVE 10; Limb-girdle muscular dystrophy, type 2J. Identifiers: Orphanet 140922, MedGen C1837342, MONDO:0012127, OMIM 608807.
Dilated cardiomyopathy 1G (CMD1G). Identifiers: Orphanet 154, MedGen C1858763, MONDO:0011400, OMIM 604145.

Allele frequency attached by ClinVar (database versions not stated): gnomAD exomes 0.00002 and 0.00005; TOPMed 0.00003; ExAC 0.00004; gnomAD 0.00006; 1000 Genomes Project 30x 0.00016; 1000 Genomes Project 0.00020.
gnomAD v4.1: 50 of 1,612,958 alleles (0.0031%); highest among the groups gnomAD compares: Middle Eastern, 0.05%; no homozygotes.

Submissions (9):

CeGaT Center for Human Genetics Tuebingen
Classification: Likely benign. Last evaluated: 2026-03-01. Review status: criteria provided, single submitter. Criteria: CeGaT Center For Human Genetics Tuebingen Variant Classification Criteria Version 2. Collection method: clinical testing. Allele origin: germline. Affected: yes. Observed: 4 variant alleles.
Comment: TTN: BP4, BP7

PreventionGenetics, part of Exact Sciences
Classification: Likely benign for TTN-related condition. Last evaluated: 2026-02-13. Review status: criteria provided, single submitter. Criteria: ACMG Guidelines, 2015. Collection method: clinical testing. Allele origin: germline.
Comment: This variant is classified as likely benign based on ACMG/AMP sequence variant interpretation guidelines (Richards et al. 2015 PMID: 25741868, with internal and published modifications).

Women's Health and Genetics/Laboratory Corporation of America, LabCorp
Classification: Likely benign. Last evaluated: 2026-01-26. Review status: criteria provided, single submitter. Criteria: LabCorp Variant Classification Summary - May 2015. Collection method: clinical testing. Allele origin: germline.

Labcorp Genetics (formerly Invitae), Labcorp
Classification: Likely benign for Dilated cardiomyopathy 1G; Autosomal recessive limb-girdle muscular dystrophy type 2J. Last evaluated: 2025-12-08. Review status: criteria provided, single submitter. Criteria: Invitae Variant Classification Sherloc (09022015). Collection method: clinical testing. Allele origin: germline.

Molecular Diagnostic Laboratory for Inherited Cardiovascular Disease, Montreal Heart Institute
Classification: Likely benign. Last evaluated: 2025-04-09. Review status: criteria provided, single submitter. Criteria: ACMG Guidelines, 2015. Collection method: clinical testing. Allele origin: germline. Affected: no.

Athena Diagnostics
Classification: Uncertain significance. Last evaluated: 2025-01-21. Review status: criteria provided, single submitter. Criteria: Athena Diagnostics Criteria. Collection method: clinical testing. Allele origin: unknown.
Comment: Available data are insufficient to determine the clinical significance of the variant at this time. The frequency of this variant in the general population is uninformative in assessment of its pathogenicity. Computational tools yielded predictions that this variant is unlikely to have an effect on normal RNA splicing.

Blueprint Genetics
Classification: Likely benign. Last evaluated: 2024-03-07. Review status: criteria provided, single submitter. Criteria: ACMG Guidelines, 2015. Collection method: clinical testing. Allele origin: germline.

Ambry Genetics
Classification: Likely benign for Cardiovascular phenotype. Last evaluated: 2020-07-17. Review status: criteria provided, single submitter. Criteria: Ambry Variant Classification Scheme 2023. Collection method: clinical testing. Allele origin: germline.

Breakthrough Genomics
Classification: Likely benign. Review status: criteria provided, single submitter. Criteria: ACMG Guidelines, 2015. Collection method: not provided. Allele origin: germline. Inheritance: Autosomal recessive inheritance. Affected: yes.

NM_001267550.2(TTN):c.55059T>C (p.Asn18353=)

Genes: TTN (titin; minus strand), TTN-AS1 (TTN antisense RNA 1; plus strand). Cytogenetic location: 2q31.2.
Variant type: single nucleotide variant.
Coding change: c.55059T>C on transcript NM_001267550.2 (MANE Select); coding-DNA position 55059, T replaced by C.
Protein change: p.Asn18353=; no amino-acid change (asparagine 18353 retained).
Molecular consequence: synonymous variant.
Genome position (GRCh38, 1-based): chr2:178,602,343, A>G on the plus strand (T>C on the coding strand, the complement: TTN is on the minus strand). VCF-style: chr2-178602343-A-G. GRCh37 (hg19) VCF-style: chr2-179467070-A-G.
Other names: c.55059T>C (NM_001267550.1); c.50136T>C, p.Asn16712= (NM_001256850.1); c.27864T>C, p.Asn9288= (NM_003319.4); c.47355T>C, p.Asn15785= (NM_133378.4); c.28239T>C, p.Asn9413= (NM_133432.3); c.28440T>C, p.Asn9480= (NM_133437.4).
Identifiers: ClinVar variation 413102 (VCV000413102.44), dbSNP rs553295928, ClinGen allele CA1993540.